The following is an entry in ClinVar:

NM_018943.3(TUBA8):c.190del (p.Arg64fs)

Gene: TUBA8 (tubulin alpha 8; plus strand). Cytogenetic location: 22q11.21.
Variant type: Deletion.
Coding change: c.190del on transcript NM_018943.3 (MANE Select); coding-DNA position 190, one base deleted (C; older notation c.190delC).
Protein change: p.Arg64fs; shifts the reading frame from arginine 64.
Molecular consequence: frameshift variant. On other transcripts: 5 prime UTR variant (1).
Genome position (GRCh38, 1-based): chr22:18,121,665, C deleted; the last of 4 consecutive C bases (chr22:18,121,662-18,121,665); deleting any one gives the same sequence. VCF-style (leftmost placement, unchanged base first): chr22-18121661-GC-G. GRCh37 (hg19) VCF-style: chr22-18604428-GC-G.
Other names: c.-9del (NM_001193414.2); short protein forms R64fs.
Identifiers: ClinVar variation 1938867 (VCV001938867.5), dbSNP rs1928153045, ClinGen allele CA2395422594.

ClinVar aggregate classification (germline): Uncertain significance (1 of 4 stars; one submission).

Submission:

Labcorp Genetics (formerly Invitae), Labcorp
Classification: Uncertain significance. Last evaluated: 2024-04-17. Review status: criteria provided, single submitter. Criteria: Invitae Variant Classification Sherloc (09022015). Collection method: clinical testing. Allele origin: germline.
Comment: This sequence change creates a premature translational stop signal (p.Arg64Glyfs*4) in the TUBA8 gene. It is expected to result in an absent or disrupted protein product. However, the current clinical and genetic evidence is not sufficient to establish whether loss-of-function variants in TUBA8 cause disease. This variant is not present in population databases (gnomAD no frequency). This variant has not been reported in the literature in individuals affected with TUBA8-related conditions. ClinVar contains an entry for this variant (Variation ID: 1938867). In summary, the available evidence is currently insufficient to determine the role of this variant in disease. Therefore, it has been classified as a Variant of Uncertain Significance.